The following is an entry in ClinVar:

NM_004606.5(TAF1):c.28T>G (p.Ser10Ala)

Genes: TAF1 (TATA-box binding protein associated factor 1; plus strand), LOC130068417 (ATAC-STARR-seq lymphoblastoid active region 29743; plus strand). Cytogenetic location: Xq13.1.
Variant type: single nucleotide variant.
Coding change: c.28T>G on transcript NM_004606.5 (MANE Select); coding-DNA position 28, T replaced by G.
Protein change: p.Ser10Ala; replaces serine 10 with alanine.
Molecular consequence: missense variant. On other transcripts: non-coding transcript variant (9).
Genome position (GRCh38, 1-based): chrX:71,366,402, T>G. VCF-style: chrX-71366402-T-G. GRCh37 (hg19) VCF-style: chrX-70586252-T-G.
Other names: c.28T>G, p.Ser10Ala (NM_001286074.2, NM_138923.4); short protein forms S10A.
Identifiers: ClinVar variation 2501336 (VCV002501336.1), dbSNP rs2032476477, ClinGen allele CA413502631.

ClinVar aggregate classification (germline): Uncertain significance (1 of 4 stars; one submission).

Allele frequency attached by ClinVar (database versions not stated): gnomAD exomes below 0.00001; TOPMed below 0.00001; gnomAD 0.00001.
gnomAD v4.1: 4 of 1,206,504 alleles (0.00033%); highest among the groups gnomAD compares: African/African-American, 0.0018%; no homozygotes.

Submission:

GeneDx
Classification: Uncertain significance. Last evaluated: 2023-05-01. Review status: criteria provided, single submitter. Criteria: GeneDx Variant Classification Process June 2021. Collection method: clinical testing. Allele origin: germline. Affected: yes.
Comment: Not observed at significant frequency in large population cohorts (gnomAD); In silico analysis supports that this missense variant does not alter protein structure/function; Has not been previously published as pathogenic or benign to our knowledge